The following is an entry in ClinVar:

NM_000212.3(ITGB3):c.201G>A (p.Lys67=)

Gene: ITGB3 (integrin subunit beta 3; plus strand). Cytogenetic location: 17q21.32.
Variant type: single nucleotide variant.
Coding change: c.201G>A on transcript NM_000212.3 (MANE Select); coding-DNA position 201, G replaced by A.
Protein change: p.Lys67=; no amino-acid change (lysine 67 retained).
Molecular consequence: synonymous variant.
Genome position (GRCh38, 1-based): chr17:47,283,389, G>A. VCF-style: chr17-47283389-G-A. GRCh37 (hg19) VCF-style: chr17-45360755-G-A.
Other names: NM_000212.3(ITGB3):c.201G>A; p.Lys67=.
Identifiers: ClinVar variation 435535 (VCV000435535.14), dbSNP rs780479441, ClinGen allele CA8622896.

ClinVar aggregate classification (germline): Likely benign. Review status: reviewed by expert panel (3 of 4 stars). 4 submissions from 4 submitters: Likely benign (1). 3 of the submissions do not count toward it. Last evaluated 2023-06-01.

Conditions:
Glanzmann thrombasthenia. Also called: BLEEDING DISORDER, PLATELET-TYPE, 2; THROMBASTHENIA OF GLANZMANN AND NAEGELI; Glanzmann's thrombasthenia; Thrombasthenia; PLATELET GLYCOPROTEIN IIb-IIIa DEFICIENCY. Identifiers: Orphanet 849, MedGen C0040015, MONDO:0100326.

Allele frequency attached by ClinVar (database versions not stated): gnomAD 0.00001; TOPMed 0.00003; gnomAD exomes 0.00008 and 0.00015; ExAC 0.00012.

Submissions (4):

ClinGen Platelet Disorders Variant Curation Expert Panel, ClinGen
Classification: Likely benign for Glanzmann thrombasthenia. Last evaluated: 2023-06-01. Review status: reviewed by expert panel. Criteria: ClinGen Platelet ACMG Specifications v2-1. Collection method: curation. Allele origin: germline. Inheritance: Autosomal recessive inheritance.
Comment: After a comprehensive literature search of the synonymous variant NM_000212.3(ITGB3):c.201G>A (p.Lys67=), no individuals with Glanzmann thrombasthenia were reported with the variant and has only been observed in a ostensibly healthy population. The variant has a minor allele frequency of 0.00110 (38/34590 alleles) in the Latino population in gnomAD, which does not meet our threshold criteria for PM2_supporting or BS1. In silico predictor spliceAI revealed that the synonymous mutation is not expected to impact splicing and a PhyloP score of -0.08 shows that the nucleotide position is not highly conserved (BP4, BP7). In summary, this variant meets the criteria to be classified as Likely Benign for autosomal recessive Glanzmann Thrombasthenia based on the ACMG/AMP criteria applied, as specified by the ClinGen PD VCEP: BP4, BP7 (PD VCEP specifications version 2.1).

Labcorp Genetics (formerly Invitae), Labcorp
Classification: Likely benign. Last evaluated: 2025-10-11. Review status: criteria provided, single submitter. Criteria: Invitae Variant Classification Sherloc (09022015). Collection method: clinical testing. Allele origin: germline. Not counted in ClinVar's aggregate classification.

Illumina Laboratory Services, Illumina
Classification: Uncertain significance for Glanzmann thrombasthenia 1. Last evaluated: 2018-01-13. Review status: criteria provided, single submitter. Criteria: ICSL Variant Classification Criteria 13 December 2019. Collection method: clinical testing. Allele origin: germline. Not counted in ClinVar's aggregate classification.

Genetic Services Laboratory, University of Chicago
Classification: Uncertain significance. Last evaluated: 2016-06-23. Review status: criteria provided, single submitter. Criteria: ACMG Guidelines, 2015. Collection method: clinical testing. Allele origin: germline. Affected: no. Not counted in ClinVar's aggregate classification.